The following is an entry in ClinVar:

ClinVar aggregate classification (germline): Conflicting classifications of pathogenicity. Review status: criteria provided, conflicting classifications (1 of 4 stars). 2 submissions from 2 submitters: Uncertain significance (1); Likely benign (1). Last evaluated 2026-01-06.

Allele frequency attached by ClinVar (database versions not stated): ExAC 0.00001; gnomAD exomes below 0.00001; TOPMed 0.00001.
gnomAD v4.1: 2 of 1,613,898 alleles (0.00012%); highest among the groups gnomAD compares: South Asian, 0.0011%; no homozygotes.

Submissions (2):

Labcorp Genetics (formerly Invitae), Labcorp
Classification: Likely benign. Last evaluated: 2026-01-06. Review status: criteria provided, single submitter. Criteria: Invitae Variant Classification Sherloc (09022015). Collection method: clinical testing. Allele origin: germline.

GeneDx
Classification: Uncertain significance. Last evaluated: 2022-10-25. Review status: criteria provided, single submitter. Criteria: GeneDx Variant Classification Process June 2021. Collection method: clinical testing. Allele origin: germline. Affected: yes.
Comment: Not observed at significant frequency in large population cohorts (gnomAD); In silico analysis supports that this missense variant does not alter protein structure/function; Has not been previously published as pathogenic or benign to our knowledge

NM_032119.4(ADGRV1):c.896A>G (p.Tyr299Cys)

Gene: ADGRV1 (adhesion G protein-coupled receptor V1; plus strand). Cytogenetic location: 5q14.3.
Variant type: single nucleotide variant.
Coding change: c.896A>G on transcript NM_032119.4 (MANE Select); coding-DNA position 896, A replaced by G.
Protein change: p.Tyr299Cys; replaces tyrosine 299 with cysteine.
Molecular consequence: missense variant. On other transcripts: non-coding transcript variant (1).
Genome position (GRCh38, 1-based): chr5:90,627,434, A>G. VCF-style: chr5-90627434-A-G. GRCh37 (hg19) VCF-style: chr5-89923251-A-G.
Other names: short protein forms Y299C.
Identifiers: ClinVar variation 2500639 (VCV002500639.4), dbSNP rs767553206, ClinGen allele CA3338579.